The following is an entry in ClinVar:

ClinVar aggregate classification (germline): Likely benign. Review status: criteria provided, multiple submitters, no conflicts (2 of 4 stars). 2 submissions from 2 submitters: Likely benign (2). Last evaluated 2024-07-01.

Allele frequency attached by ClinVar (database versions not stated): gnomAD exomes below 0.00001; gnomAD 0.00001.
gnomAD v4.1: 2 of 1,613,926 alleles (0.00012%); highest among the groups gnomAD compares: African/African-American, 0.0027%; no homozygotes.

Submissions (2):

CeGaT Center for Human Genetics Tuebingen
Classification: Likely benign. Last evaluated: 2024-07-01. Review status: criteria provided, single submitter. Criteria: CeGaT Center For Human Genetics Tuebingen Variant Classification Criteria Version 2. Collection method: clinical testing. Allele origin: germline. Affected: yes. Observed: 1 variant allele.
Comment: MCPH1: BP4, BP7

Labcorp Genetics (formerly Invitae), Labcorp
Classification: Likely benign. Last evaluated: 2023-10-03. Review status: criteria provided, single submitter. Criteria: Invitae Variant Classification Sherloc (09022015). Collection method: clinical testing. Allele origin: germline.

NM_024596.5(MCPH1):c.2223A>G (p.Arg741=)

Genes: MCPH1 (microcephalin 1; plus strand), MCPH1-AS1 (MCPH1 antisense RNA 1; minus strand). Cytogenetic location: 8p23.1.
Variant type: single nucleotide variant.
Coding change: c.2223A>G on transcript NM_024596.5 (MANE Select); coding-DNA position 2223, A replaced by G.
Protein change: p.Arg741=; no amino-acid change (arginine 741 retained).
Molecular consequence: synonymous variant. On other transcripts: non-coding transcript variant (1).
Genome position (GRCh38, 1-based): chr8:6,621,462, A>G. VCF-style: chr8-6621462-A-G. GRCh37 (hg19) VCF-style: chr8-6478983-A-G.
Other names: c.2223A>G, p.Arg741= (NM_001322042.2, NM_001363979.1, NM_001410917.1); c.1944A>G, p.Arg648= (NM_001363980.2).
Identifiers: ClinVar variation 3003279 (VCV003003279.20), dbSNP rs1831404678, ClinGen allele CA459164286.